The following is an entry in ClinVar:

NM_031935.3(HMCN1):c.2768G>A (p.Arg923Gln)

Gene: HMCN1 (hemicentin 1; plus strand). Cytogenetic location: 1q31.1.
Variant type: single nucleotide variant.
Coding change: c.2768G>A on transcript NM_031935.3 (MANE Select); coding-DNA position 2768, G replaced by A.
Protein change: p.Arg923Gln; replaces arginine 923 with glutamine.
Molecular consequence: missense variant.
Genome position (GRCh38, 1-based): chr1:185,982,367, G>A. VCF-style: chr1-185982367-G-A. GRCh37 (hg19) VCF-style: chr1-185951499-G-A.
Other names: short protein forms R923Q.
Identifiers: ClinVar variation 1446489 (VCV001446489.28), dbSNP rs144772706, ClinGen allele CA1291490.

ClinVar aggregate classification (germline): Conflicting classifications of pathogenicity. Review status: criteria provided, conflicting classifications (1 of 4 stars). 2 submissions from 2 submitters: Uncertain significance (1); Likely benign (1). Last evaluated 2024-11-27.

Allele frequency attached by ClinVar (database versions not stated): ExAC 0.00002; gnomAD 0.00002 and 0.00003; gnomAD exomes 0.00002; TOPMed 0.00002; ESP Exome Variant Server 0.00008; 1000 Genomes Project 30x 0.00016; 1000 Genomes Project 0.00020.
gnomAD v4.1: 22 of 1,613,400 alleles (0.0014%); highest among the groups gnomAD compares: East Asian, 0.0045%; no homozygotes.

Submissions (2):

Labcorp Genetics (formerly Invitae), Labcorp
Classification: Uncertain significance. Last evaluated: 2024-11-27. Review status: criteria provided, single submitter. Criteria: Invitae Variant Classification Sherloc (09022015). Collection method: clinical testing. Allele origin: germline.
Comment: This sequence change replaces arginine, which is basic and polar, with glutamine, which is neutral and polar, at codon 923 of the HMCN1 protein (p.Arg923Gln). This variant is present in population databases (rs144772706, gnomAD 0.006%). This variant has not been reported in the literature in individuals affected with HMCN1-related conditions. ClinVar contains an entry for this variant (Variation ID: 1446489). An algorithm developed to predict the effect of missense changes on protein structure and function outputs the following: PolyPhen-2: "Benign". The glutamine amino acid residue is found in multiple mammalian species, which suggests that this missense change does not adversely affect protein function. In summary, the available evidence is currently insufficient to determine the role of this variant in disease. Therefore, it has been classified as a Variant of Uncertain Significance.

CeGaT Center for Human Genetics Tuebingen
Classification: Likely benign. Last evaluated: 2023-12-01. Review status: criteria provided, single submitter. Criteria: CeGaT Center For Human Genetics Tuebingen Variant Classification Criteria Version 2. Collection method: clinical testing. Allele origin: germline. Affected: yes. Observed: 1 variant allele.
Comment: HMCN1: BP4